The following is an entry in ClinVar:

ClinVar aggregate classification (germline): Conflicting classifications of pathogenicity. Review status: criteria provided, conflicting classifications (1 of 4 stars). 2 submissions from 2 submitters: Uncertain significance (1); Likely benign (1). Last evaluated 2023-12-13.

Conditions:
Familial thoracic aortic aneurysm and aortic dissection (TAAD). Also called: Thoracic aortic aneurysms and dissections. Identifiers: Orphanet 91387, MedGen C4707243, MONDO:0019625.
Adams-Oliver syndrome 5 (AOS5). Identifiers: Orphanet 974, MedGen C4014970, MONDO:0014459, OMIM 616028.

gnomAD v4.1: 40 of 1,603,772 alleles (0.0025%); highest among the groups gnomAD compares: Non-Finnish European, 0.0033%; no homozygotes.

Submissions (2):

Labcorp Genetics (formerly Invitae), Labcorp
Classification: Likely benign for Adams-Oliver syndrome 5. Last evaluated: 2023-12-13. Review status: criteria provided, single submitter. Criteria: Invitae Variant Classification Sherloc (09022015). Collection method: clinical testing. Allele origin: germline.

Ambry Genetics
Classification: Uncertain significance for Familial thoracic aortic aneurysm and aortic dissection. Last evaluated: 2023-05-11. Review status: criteria provided, single submitter. Criteria: Ambry Variant Classification Scheme 2023. Collection method: clinical testing. Allele origin: germline.
Comment: The p.F1516L variant (also known as c.4548C>G), located in coding exon 25 of the NOTCH1 gene, results from a C to G substitution at nucleotide position 4548. The phenylalanine at codon 1516 is replaced by leucine, an amino acid with highly similar properties. This amino acid position is conserved. In addition, this alteration is predicted to be tolerated by in silico analysis. Since supporting evidence is limited at this time, the clinical significance of this alteration remains unclear.

NM_017617.5(NOTCH1):c.4548C>G (p.Phe1516Leu)

Gene: NOTCH1 (notch receptor 1; minus strand). Cytogenetic location: 9q34.3.
Variant type: single nucleotide variant.
Coding change: c.4548C>G on transcript NM_017617.5 (MANE Select); coding-DNA position 4548, C replaced by G.
Protein change: p.Phe1516Leu; replaces phenylalanine 1516 with leucine.
Molecular consequence: missense variant.
Genome position (GRCh38, 1-based): chr9:136,505,348, G>C on the plus strand (C>G on the coding strand, the complement: NOTCH1 is on the minus strand). VCF-style: chr9-136505348-G-C. GRCh37 (hg19) VCF-style: chr9-139399800-G-C.
Other names: short protein forms F1516L.
Identifiers: ClinVar variation 2562284 (VCV002562284.5), dbSNP rs199740882, ClinGen allele CA5340598.